The following is an entry in ClinVar:

ClinVar aggregate classification (germline): Uncertain significance (1 of 4 stars; one submission).

gnomAD v4.1: 1 of 1,613,844 alleles (0.000062%); highest among the groups gnomAD compares: East Asian, 0.0022%; no homozygotes.

Submission:

Labcorp Genetics (formerly Invitae), Labcorp
Classification: Uncertain significance. Last evaluated: 2026-01-20. Review status: criteria provided, single submitter. Criteria: Invitae Variant Classification Sherloc (09022015). Collection method: clinical testing. Allele origin: germline.
Comment: This sequence change replaces lysine, which is basic and polar, with arginine, which is basic and polar, at codon 30 of the GRXCR1 protein (p.Lys30Arg). This variant is present in population databases (no rsID available, gnomAD 0.006%). This variant has not been reported in the literature in individuals affected with GRXCR1-related conditions. An algorithm developed to predict the effect of missense changes on protein structure and function outputs the following: PolyPhen-2: "Benign". The arginine amino acid residue is found in multiple mammalian species, which suggests that this missense change does not adversely affect protein function. In summary, the available evidence is currently insufficient to determine the role of this variant in disease. Therefore, it has been classified as a Variant of Uncertain Significance.

NM_001080476.3(GRXCR1):c.89A>G (p.Lys30Arg)

Gene: GRXCR1 (glutaredoxin and cysteine rich domain containing 1; plus strand). Cytogenetic location: 4p13.
Variant type: single nucleotide variant.
Coding change: c.89A>G on transcript NM_001080476.3 (MANE Select); coding-DNA position 89, A replaced by G.
Protein change: p.Lys30Arg; replaces lysine 30 with arginine.
Molecular consequence: missense variant.
Genome position (GRCh38, 1-based): chr4:42,893,355, A>G. VCF-style: chr4-42893355-A-G. GRCh37 (hg19) VCF-style: chr4-42895372-A-G.
Other names: short protein forms K30R.
Identifiers: ClinVar variation 4735056 (VCV004735056.1).